The following is an entry in ClinVar:

NM_001134831.2(AHI1):c.2037-3C>G

Gene: AHI1 (Abelson helper integration site 1; minus strand). Cytogenetic location: 6q23.3.
Variant type: single nucleotide variant.
Coding change: c.2037-3C>G on transcript NM_001134831.2 (MANE Select); 3 bases into the intron before coding-DNA position 2037, C replaced by G.
Molecular consequence: intron variant.
Genome position (GRCh38, 1-based): chr6:135,433,259, G>C on the plus strand (C>G on the coding strand, the complement: AHI1 is on the minus strand). VCF-style: chr6-135433259-G-C. GRCh37 (hg19) VCF-style: chr6-135754397-G-C.
Other names: c.2037-3C>G (NM_001134830.2, NM_001350503.2, NM_017651.5 and 2 more transcripts).
Identifiers: ClinVar variation 1391551 (VCV001391551.7), dbSNP rs1206317271, ClinGen allele CA570558740.

ClinVar aggregate classification (germline): Uncertain significance (1 of 4 stars; one submission).

Conditions:
Joubert syndrome. Also called: CEREBELLOPARENCHYMAL DISORDER IV; JOUBERT-BOLTSHAUSER SYNDROME; Familial aplasia of the vermis. Identifiers: Orphanet 475, MedGen C5979921, MONDO:0018772.

Allele frequency attached by ClinVar (database versions not stated): gnomAD exomes 0.00001 and 0.00002.
gnomAD v4.1: 3 of 1,582,224 alleles (0.00019%); highest among the groups gnomAD compares: Admixed American, 0.005%; no homozygotes.

Submission:

Labcorp Genetics (formerly Invitae), Labcorp
Classification: Uncertain significance for Joubert syndrome. Last evaluated: 2021-05-19. Review status: criteria provided, single submitter. Criteria: Invitae Variant Classification Sherloc (09022015). Collection method: clinical testing. Allele origin: germline.
Comment: Nucleotide substitutions within the consensus splice site are a relatively common cause of aberrant splicing (PMID: 17576681, 9536098). Algorithms developed to predict the effect of sequence changes on RNA splicing suggest that this variant may disrupt the consensus splice site, but this prediction has not been confirmed by published transcriptional studies. In summary, the available evidence is currently insufficient to determine the role of this variant in disease. Therefore, it has been classified as a Variant of Uncertain Significance. This variant has been observed in individual(s) with AHI1-related conditions (Invitae). In at least one individual the data is consistent with the variant being in trans (on the opposite chromosome) from a pathogenic variant. This variant is not present in population databases (ExAC no frequency). This sequence change falls in intron 14 of the AHI1 gene. It does not directly change the encoded amino acid sequence of the AHI1 protein. It affects a nucleotide within the consensus splice site of the intron.

Literature cited by the submitters: PubMed 17576681; PubMed 9536098.